The following is an entry in ClinVar:

ClinVar aggregate classification (germline): Pathogenic. Review status: criteria provided, multiple submitters, no conflicts (2 of 4 stars). 3 submissions from 3 submitters: Pathogenic (3). Last evaluated 2024-12-19.

Conditions:
Hereditary cancer-predisposing syndrome. Also called: Tumor predisposition; Hereditary Cancer Syndrome; Neoplastic Syndromes, Hereditary; Hereditary neoplastic syndrome. Identifiers: Orphanet 140162, MedGen C0027672, MeSH D009386, MONDO:0015356.
Familial adenomatous polyposis 1 (FAP1). Also called: FAMILIAL ADENOMATOUS POLYPOSIS 1, ATTENUATED; POLYPOSIS, ADENOMATOUS INTESTINAL. Identifiers: MedGen C2713442, MONDO:0021056, OMIM 175100. Disease mechanism: loss of function.

Submissions (3):

Ambry Genetics
Classification: Pathogenic for Hereditary cancer-predisposing syndrome. Last evaluated: 2024-12-19. Review status: criteria provided, single submitter. Criteria: Ambry Variant Classification Scheme 2023. Collection method: clinical testing. Allele origin: germline.
Comment: The c.2681_2683delTGTinsGTATG pathogenic mutation, located in coding exon 15 of the APC gene, results from the deletion of 3 nucleotides and insertion of 5 nucleotides causing a translational frameshift with a predicted alternate stop codon (p.V894Gfs*23). This alteration occurs at the 3' terminus of theAPC gene, is not expected to trigger nonsense-mediated mRNA decay, and impacts the last 1950 amino acids of the protein. However, premature stop codons are typically deleterious in nature and the impacted region is critical for protein function and a significant portion of the protein is affected (Ambry internal data). In addition to the clinical data presented in the literature, this alteration is expected to result in loss of function by premature protein truncation. As such, this alteration is interpreted as a disease-causing mutation.

Labcorp Genetics (formerly Invitae), Labcorp
Classification: Pathogenic for Familial adenomatous polyposis 1. Last evaluated: 2023-11-15. Review status: criteria provided, single submitter. Criteria: Invitae Variant Classification Sherloc (09022015). Collection method: clinical testing. Allele origin: germline.
Comment: This sequence change creates a premature translational stop signal (p.Val894Glyfs*23) in the APC gene. While this is not anticipated to result in nonsense mediated decay, it is expected to disrupt the last 1,950 amino acid(s) of the APC protein. Information on the frequency of this variant in the gnomAD database is not available, as this variant may be reported differently in the database. This variant has not been reported in the literature in individuals affected with APC-related conditions. This variant is expected to disrupt the EB1 and HDLG binding sites, which mediate interactions with the cytoskeleton (PMID: 15311282, 17293347). While functional studies have not been performed to directly test the effect on APC protein function, this suggests that disruption of the C-terminal portion of the protein is functionally important. A different truncation (p.Tyr2645Lysfs*14) that lies downstream of this variant has been determined to be pathogenic (PMID: 9824584, 1316610, 27081525, 8381579, 22135120, Invitae). This suggests that deletion of this region of the APC protein is causative of disease. For these reasons, this variant has been classified as Pathogenic.

Myriad Genetics, Inc.
Classification: Pathogenic for Familial adenomatous polyposis 1. Last evaluated: 2023-05-05. Review status: criteria provided, single submitter. Criteria: Myriad Autosomal Dominant, Autosomal Recessive and X-Linked Classification Criteria (2023). Collection method: clinical testing. Allele origin: unknown.
Comment: This variant is considered pathogenic. This variant creates a frameshift predicted to result in premature protein truncation.

Literature cited by the submitters: PubMed 15311282 (cited by Labcorp Genetics (formerly Invitae), Labcorp); PubMed 17293347 (cited by Labcorp Genetics (formerly Invitae), Labcorp); PubMed 9824584 (cited by Labcorp Genetics (formerly Invitae), Labcorp); PubMed 1316610 (cited by Labcorp Genetics (formerly Invitae), Labcorp); PubMed 27081525 (cited by Labcorp Genetics (formerly Invitae), Labcorp); PubMed 8381579 (cited by Labcorp Genetics (formerly Invitae), Labcorp); PubMed 22135120 (cited by Labcorp Genetics (formerly Invitae), Labcorp).

NM_000038.6(APC):c.2681_2683delinsGTATG (p.Val894fs)

Gene: APC (APC regulator of Wnt signaling pathway; plus strand). Cytogenetic location: 5q22.2.
Variant type: Indel.
Coding change: c.2681_2683delinsGTATG on transcript NM_000038.6 (MANE Select); coding-DNA positions 2681 to 2683, TGT replaced by GTATG.
Protein change: p.Val894fs; shifts the reading frame from valine 894.
Molecular consequence: frameshift variant.
Genome position (GRCh38, 1-based): chr5:112,838,275-112,838,277, TGT replaced by GTATG. VCF-style: chr5-112838275-TGT-GTATG. GRCh37 (hg19) VCF-style: chr5-112173972-TGT-GTATG.
Other names: c.2681_2683delinsGTATG, p.Val894fs (NM_001127510.3, NM_001354895.2); c.2627_2629delinsGTATG, p.Val876fs (NM_001127511.3); c.2735_2737delinsGTATG, p.Val912fs (NM_001354896.2); c.2711_2713delinsGTATG, p.Val904fs (NM_001354897.2); c.2606_2608delinsGTATG, p.Val869fs (NM_001354898.2); c.2597_2599delinsGTATG, p.Val866fs (NM_001354899.2); c.2558_2560delinsGTATG, p.Val853fs (NM_001354900.2); c.2504_2506delinsGTATG, p.Val835fs (NM_001354901.2); and 6 more; short protein forms V768fs, V803fs, V866fs, V869fs, V894fs, V912fs, V793fs, V835fs.
Identifiers: ClinVar variation 821672 (VCV000821672.12), dbSNP rs1580625739, ClinGen allele CA915942625.